The following is an entry in ClinVar:

NM_000393.5(COL5A2):c.4324C>T (p.Arg1442Trp)

Gene: COL5A2 (collagen type V alpha 2 chain; minus strand). Cytogenetic location: 2q32.2.
Variant type: single nucleotide variant.
Coding change: c.4324C>T on transcript NM_000393.5 (MANE Select); coding-DNA position 4324, C replaced by T.
Protein change: p.Arg1442Trp; replaces arginine 1442 with tryptophan.
Molecular consequence: missense variant.
Genome position (GRCh38, 1-based): chr2:189,034,945, G>A on the plus strand (C>T on the coding strand, the complement: COL5A2 is on the minus strand). VCF-style: chr2-189034945-G-A. GRCh37 (hg19) VCF-style: chr2-189899671-G-A.
Other names: short protein forms R1442W.
Identifiers: ClinVar variation 1702230 (VCV001702230.11), dbSNP rs146982082, ClinGen allele CA2021820.

ClinVar aggregate classification (germline): Conflicting classifications of pathogenicity. Review status: criteria provided, conflicting classifications (1 of 4 stars). 4 submissions from 4 submitters: Uncertain significance (3); Likely benign (1). Last evaluated 2025-02-18.

Conditions:
Ehlers-Danlos syndrome, classic type, 1 (EDSCL1). Also called: EHLERS-DANLOS SYNDROME, GRAVIS TYPE; EHLERS-DANLOS SYNDROME, SEVERE CLASSIC TYPE; Ehlers-Danlos syndrome, type 1; Ehlers-Danlos Syndrome, Classic Type, COL5A1-Related; EDS I. Identifiers: MedGen C0268335, MONDO:0019567, OMIM 130000.
Ehlers-Danlos syndrome (EDS). Identifiers: Orphanet 98249, MedGen C0013720, MONDO:0020066.
Familial thoracic aortic aneurysm and aortic dissection (TAAD). Also called: Thoracic aortic aneurysms and dissections. Identifiers: Orphanet 91387, MedGen C4707243, MONDO:0019625.

Allele frequency attached by ClinVar (database versions not stated): gnomAD exomes below 0.00001 and 0.00001; ExAC 0.00001; ESP Exome Variant Server 0.00008.
gnomAD v4.1: 6 of 1,613,774 alleles (0.00037%); highest among the groups gnomAD compares: South Asian, 0.0011%; no homozygotes.

Submissions (4):

Labcorp Genetics (formerly Invitae), Labcorp
Classification: Likely benign for Ehlers-Danlos syndrome, classic type, 1. Last evaluated: 2025-02-18. Review status: criteria provided, single submitter. Criteria: Invitae Variant Classification Sherloc (09022015). Collection method: clinical testing. Allele origin: germline.

Blueprint Genetics
Classification: Uncertain significance. Last evaluated: 2023-10-03. Review status: criteria provided, single submitter. Criteria: ACMG Guidelines, 2015. Collection method: clinical testing. Allele origin: germline.

Ambry Genetics
Classification: Uncertain significance for Familial thoracic aortic aneurysm and aortic dissection. Last evaluated: 2023-06-02. Review status: criteria provided, single submitter. Criteria: Ambry Variant Classification Scheme 2023. Collection method: clinical testing. Allele origin: germline.
Comment: The p.R1442W variant (also known as c.4324C>T), located in coding exon 53 of the COL5A2 gene, results from a C to T substitution at nucleotide position 4324. The arginine at codon 1442 is replaced by tryptophan, an amino acid with dissimilar properties. This amino acid position is highly conserved in available vertebrate species. In addition, this alteration is predicted to be deleterious by in silico analysis. Since supporting evidence is limited at this time, the clinical significance of this alteration remains unclear.

Genome Diagnostics Laboratory, The Hospital for Sick Children
Classification: Uncertain significance for Ehlers-Danlos syndrome. Last evaluated: 2021-04-12. Review status: criteria provided, single submitter. Criteria: ACMG Guidelines, 2015. Collection method: clinical testing. Allele origin: germline.